The following is an entry in ClinVar:

NM_001206927.2(DNAH8):c.1681G>C (p.Glu561Gln)

Gene: DNAH8 (dynein axonemal heavy chain 8; plus strand). Cytogenetic location: 6p21.2.
Variant type: single nucleotide variant.
Coding change: c.1681G>C on transcript NM_001206927.2 (MANE Select); coding-DNA position 1681, G replaced by C.
Protein change: p.Glu561Gln; replaces glutamic acid 561 with glutamine.
Molecular consequence: missense variant.
Genome position (GRCh38, 1-based): chr6:38,770,476, G>C. VCF-style: chr6-38770476-G-C. GRCh37 (hg19) VCF-style: chr6-38738252-G-C.
Other names: c.1030G>C, p.Glu344Gln (NM_001371.4); c.1681G>C (NM_001206927.1); short protein forms E344Q, E561Q.
Identifiers: ClinVar variation 1507020 (VCV001507020.6), dbSNP rs370590661, ClinGen allele CA3788291.

ClinVar aggregate classification (germline): Uncertain significance. Review status: criteria provided, multiple submitters, no conflicts (2 of 4 stars). 2 submissions from 2 submitters: Uncertain significance (2). Last evaluated 2025-01-29.

Conditions:
Primary ciliary dyskinesia. Also called: Ciliary dyskinesia. Identifiers: Orphanet 244, MedGen C0008780, MONDO:0016575, HP:0012265.

Allele frequency attached by ClinVar (database versions not stated): gnomAD 0.00004 and 0.00005; TOPMed 0.00005; ExAC 0.00006; ESP Exome Variant Server 0.00008.
gnomAD v4.1: 58 of 1,608,280 alleles (0.0036%); highest among the groups gnomAD compares: Middle Eastern, 0.15%; no homozygotes.

Submissions (2):

Labcorp Genetics (formerly Invitae), Labcorp
Classification: Uncertain significance for Primary ciliary dyskinesia. Last evaluated: 2025-01-29. Review status: criteria provided, single submitter. Criteria: Invitae Variant Classification Sherloc (09022015). Collection method: clinical testing. Allele origin: germline.
Comment: This sequence change replaces glutamic acid, which is acidic and polar, with glutamine, which is neutral and polar, at codon 561 of the DNAH8 protein (p.Glu561Gln). This variant is present in population databases (rs370590661, gnomAD 0.02%). This variant has not been reported in the literature in individuals affected with DNAH8-related conditions. ClinVar contains an entry for this variant (Variation ID: 1507020). Experimental studies and prediction algorithms are not available or were not evaluated, and the functional significance of this variant is currently unknown. In summary, the available evidence is currently insufficient to determine the role of this variant in disease. Therefore, it has been classified as a Variant of Uncertain Significance.

Ambry Genetics
Classification: Uncertain significance. Last evaluated: 2022-11-18. Review status: criteria provided, single submitter. Criteria: Ambry Variant Classification Scheme 2023. Collection method: clinical testing. Allele origin: germline.